The following is an entry in ClinVar:

ClinVar aggregate classification (germline): Uncertain significance (1 of 4 stars; one submission).

gnomAD v4.1: 16 of 1,208,887 alleles (0.0013%); highest among the groups gnomAD compares: African/African-American, 0.0035%; no homozygotes.

Submission:

Labcorp Genetics (formerly Invitae), Labcorp
Classification: Uncertain significance. Last evaluated: 2024-07-22. Review status: criteria provided, single submitter. Criteria: Invitae Variant Classification Sherloc (09022015). Collection method: clinical testing. Allele origin: germline.
Comment: This sequence change replaces asparagine, which is neutral and polar, with serine, which is neutral and polar, at codon 1757 of the TAF1 protein (p.Asn1757Ser). This variant is present in population databases (rs751908191, gnomAD 0.008%), including at least one homozygous and/or hemizygous individual. This variant has not been reported in the literature in individuals affected with TAF1-related conditions. Advanced modeling of protein sequence and biophysical properties (such as structural, functional, and spatial information, amino acid conservation, physicochemical variation, residue mobility, and thermodynamic stability) performed at Invitae indicates that this missense variant is not expected to disrupt TAF1 protein function with a negative predictive value of 80%. In summary, the available evidence is currently insufficient to determine the role of this variant in disease. Therefore, it has been classified as a Variant of Uncertain Significance.

NM_004606.5(TAF1):c.5210A>G (p.Asn1737Ser)

Gene: TAF1 (TATA-box binding protein associated factor 1; plus strand). Cytogenetic location: Xq13.1.
Variant type: single nucleotide variant.
Coding change: c.5210A>G on transcript NM_004606.5 (MANE Select); coding-DNA position 5210, A replaced by G.
Protein change: p.Asn1737Ser; replaces asparagine 1737 with serine.
Molecular consequence: missense variant. On other transcripts: non-coding transcript variant (9).
Genome position (GRCh38, 1-based): chrX:71,459,697, A>G. VCF-style: chrX-71459697-A-G. GRCh37 (hg19) VCF-style: chrX-70679547-A-G.
Other names: c.5216A>G, p.Asn1739Ser (NM_001286074.2); c.5147A>G, p.Asn1716Ser (NM_138923.4); short protein forms N1716S, N1737S, N1739S.
Identifiers: ClinVar variation 3666554 (VCV003666554.2).
Genomic context (GRCh38, chrX:71,459,697, plus strand): 5'-TGCTTATGTCTGAAGGAGAAGATGATGAGGAAGATGCTGGGAGTGATGAAGAAGGAGACA[A>G]TCCTTTCTCTGGTAGGCCTCAACCATTGCTTCTATTCCTTTATAACTCACTACAGCACCC-3'
Protein context (NP_004597.3, residues 1727-1747): EDAGSDEEGD[Asn1737Ser]PFSAIQLSES